The following is an entry in ClinVar:

ClinVar aggregate classification (germline): Uncertain significance (1 of 4 stars; one submission).

Conditions:
Immunodeficiency 66. Identifiers: MedGen C5394265, MONDO:0030013, OMIM 618847.

Submission:

Neuberg Centre For Genomic Medicine, NCGM
Classification: Uncertain significance for Immunodeficiency 66. Last evaluated: 2023-02-14. Review status: criteria provided, single submitter. Criteria: ACMG Guidelines, 2015. Collection method: clinical testing. Allele origin: germline. Inheritance: Autosomal recessive inheritance. Affected: yes.
Comment: The missense c.1201G>A (p.Gly401Arg) variant in MRTFA gene has not been reported previously as a pathogenic variant nor as a benign variant, to our knowledge. The p.Gly401Arg variant is novel (not in any individuals) in gnomAD Exomes and 1000 Genomes. This variant has not been reported to the ClinVar database. The amino acid change p.Gly401Arg in MRTFA is predicted as conserved by GERP++ and PhyloP across 100 vertebrates. The amino acid Gly at position 401 is changed to a Arg changing protein sequence and it might alter its composition and physico-chemical properties. For these reasons, this variant has been classified as Variant of Uncertain Significance (VUS).

NM_020831.6(MRTFA):c.1201G>A (p.Gly401Arg)

Gene: MRTFA (myocardin related transcription factor A; minus strand). Cytogenetic location: 22q13.1.
Variant type: single nucleotide variant.
Coding change: c.1201G>A on transcript NM_020831.6 (MANE Select); coding-DNA position 1201, G replaced by A.
Protein change: p.Gly401Arg; replaces glycine 401 with arginine.
Molecular consequence: missense variant.
Genome position (GRCh38, 1-based): chr22:40,420,557, C>T on the plus strand (G>A on the coding strand, the complement: MRTFA is on the minus strand). VCF-style: chr22-40420557-C-T. GRCh37 (hg19) VCF-style: chr22-40816561-C-T.
Other names: c.901G>A, p.Gly301Arg (NM_001282660.2); c.1051G>A, p.Gly351Arg (NM_001282661.3); c.1201G>A, p.Gly401Arg (NM_001282662.3); c.1006G>A, p.Gly336Arg (NM_001318139.2); short protein forms G301R, G336R, G351R, G401R.
Identifiers: ClinVar variation 2671757 (VCV002671757.1), dbSNP rs2517823255, ClinGen allele CA411663663.